The following is an entry in ClinVar:

NM_001127178.3(PIGG):c.2270T>C (p.Ile757Thr)

Gene: PIGG (phosphatidylinositol glycan anchor biosynthesis class G (EMM blood group); plus strand). Cytogenetic location: 4p16.3.
Variant type: single nucleotide variant.
Coding change: c.2270T>C on transcript NM_001127178.3 (MANE Select); coding-DNA position 2270, T replaced by C.
Protein change: p.Ile757Thr; replaces isoleucine 757 with threonine.
Molecular consequence: missense variant. On other transcripts: non-coding transcript variant (6).
Genome position (GRCh38, 1-based): chr4:530,444, T>C. VCF-style: chr4-530444-T-C. GRCh37 (hg19) VCF-style: chr4-524233-T-C.
Other names: c.2003T>C, p.Ile668Thr (NM_001289051.2, NM_001345986.2); c.1871T>C, p.Ile624Thr (NM_001289052.2); c.1979T>C, p.Ile660Thr (NM_001345987.2); c.1241T>C, p.Ile414Thr (NM_001345988.2); c.737T>C, p.Ile246Thr (NM_001345990.2, NM_001345991.2); c.1172T>C, p.Ile391Thr (NM_001345994.2); c.2246T>C, p.Ile749Thr (NM_017733.5); c.2270T>C (NM_001127178.1); short protein forms I246T, I757T, I624T, I668T, I391T, I660T, I749T, I414T.
Identifiers: ClinVar variation 1489924 (VCV001489924.7), dbSNP rs769746714, ClinGen allele CA91071644.

ClinVar aggregate classification (germline): Uncertain significance. Review status: criteria provided, multiple submitters, no conflicts (2 of 4 stars). 2 submissions from 2 submitters: Uncertain significance (2). Last evaluated 2025-06-03.

Conditions:
Intellectual disability, autosomal recessive 53 (NEDHSCA). Also called: NEURODEVELOPMENTAL DISORDER WITH OR WITHOUT HYPOTONIA, SEIZURES, AND CEREBELLAR ATROPHY; GLYCOSYLPHOSPHATIDYLINOSITOL BIOSYNTHESIS DEFECT 13; Mental retardation, autosomal recessive 53. Identifiers: Orphanet 488635, MedGen C4310794, MONDO:0014832, OMIM 616917.
Inborn genetic diseases. Identifiers: MedGen C0950123, MeSH D030342.

Allele frequency attached by ClinVar (database versions not stated): gnomAD exomes below 0.00001; TOPMed 0.00002; gnomAD 0.00001.
gnomAD v4.1: 3 of 1,610,866 alleles (0.00019%); highest among the groups gnomAD compares: Admixed American, 0.0017%; no homozygotes.

Submissions (2):

Ambry Genetics
Classification: Uncertain significance for Inborn genetic diseases. Last evaluated: 2025-06-03. Review status: criteria provided, single submitter. Criteria: Ambry Variant Classification Scheme 2023. Collection method: clinical testing. Allele origin: germline.

Labcorp Genetics (formerly Invitae), Labcorp
Classification: Uncertain significance for Intellectual disability, autosomal recessive 53. Last evaluated: 2022-07-19. Review status: criteria provided, single submitter. Criteria: Invitae Variant Classification Sherloc (09022015). Collection method: clinical testing. Allele origin: germline.
Comment: This variant has not been reported in the literature in individuals affected with PIGG-related conditions. This variant is not present in population databases (gnomAD no frequency). This sequence change replaces isoleucine, which is neutral and non-polar, with threonine, which is neutral and polar, at codon 757 of the PIGG protein (p.Ile757Thr). ClinVar contains an entry for this variant (Variation ID: 1489924). In summary, the available evidence is currently insufficient to determine the role of this variant in disease. Therefore, it has been classified as a Variant of Uncertain Significance. Algorithms developed to predict the effect of missense changes on protein structure and function output the following: SIFT: "Tolerated"; PolyPhen-2: "Benign"; Align-GVGD: "Class C0". The threonine amino acid residue is found in multiple mammalian species, which suggests that this missense change does not adversely affect protein function.